The following is an entry in ClinVar:

ClinVar aggregate classification (germline): Uncertain significance (1 of 4 stars; one submission).

Conditions:
Severe combined immunodeficiency due to IKK2 deficiency. Also called: Immunodeficiency 15; IMMUNODEFICIENCY 15B. Identifiers: Orphanet 397787, MedGen C4747743, MONDO:0014267, OMIM 615592.

Submission:

Labcorp Genetics (formerly Invitae), Labcorp
Classification: Uncertain significance for Severe combined immunodeficiency due to IKK2 deficiency. Last evaluated: 2021-06-18. Review status: criteria provided, single submitter. Criteria: Invitae Variant Classification Sherloc (09022015). Collection method: clinical testing. Allele origin: germline.
Comment: This sequence change replaces leucine with valine at codon 193 of the IKBKB protein (p.Leu193Val). The leucine residue is highly conserved and there is a small physicochemical difference between leucine and valine. This variant is not present in population databases (ExAC no frequency). This variant has not been reported in the literature in individuals with IKBKB-related conditions. Advanced modeling of protein sequence and biophysical properties (such as structural, functional, and spatial information, amino acid conservation, physicochemical variation, residue mobility, and thermodynamic stability) performed at Invitae indicates that this missense variant is not expected to disrupt IKBKB protein function. Algorithms developed to predict the effect of sequence changes on RNA splicing suggest that this variant may create or strengthen a splice site, but this prediction has not been confirmed by published transcriptional studies. In summary, the available evidence is currently insufficient to determine the role of this variant in disease. Therefore, it has been classified as a Variant of Uncertain Significance.

NM_001556.3(IKBKB):c.577C>G (p.Leu193Val)

Gene: IKBKB (inhibitor of nuclear factor kappa B kinase subunit beta; plus strand). Cytogenetic location: 8p11.21.
Variant type: single nucleotide variant.
Coding change: c.577C>G on transcript NM_001556.3 (MANE Select); coding-DNA position 577, C replaced by G.
Protein change: p.Leu193Val; replaces leucine 193 with valine.
Molecular consequence: missense variant. On other transcripts: non-coding transcript variant (3).
Genome position (GRCh38, 1-based): chr8:42,308,910, C>G. VCF-style: chr8-42308910-C-G. GRCh37 (hg19) VCF-style: chr8-42166428-C-G.
Other names: c.385C>G, p.Leu129Val (NM_001190720.3); c.400C>G, p.Leu134Val (NM_001242778.2); short protein forms L193V, L129V, L134V.
Identifiers: ClinVar variation 1376505 (VCV001376505.8), dbSNP rs2130562887, ClinGen allele CA371080291.